The following is an entry in ClinVar:

ClinVar aggregate classification (germline): Uncertain significance (1 of 4 stars; one submission).

Conditions:
Intellectual developmental disorder with autism and macrocephaly. Also called: Autism, susceptibility to, 18; CHD8-Related Neurodevelopmental Disorder with Overgrowth. Identifiers: Orphanet 642675, MedGen C3554373, MONDO:0014017, OMIM 615032.

gnomAD v4.1: 2 of 1,606,654 alleles (0.00012%); highest among the groups gnomAD compares: Non-Finnish European, 0.00017%; no homozygotes.

Submission:

Dasa
Classification: Uncertain significance for Intellectual developmental disorder with autism and macrocephaly. Last evaluated: 2025-09-25. Review status: criteria provided, single submitter. Criteria: DASA Assertion Criteria. Collection method: clinical testing. Allele origin: germline.
Comment: NM_001170629.2(CHD8):c.7133G>A (p.Cys2378Tyr) is a missense variant that results in the substitution of cysteine with tyrosine. This variant is rare in population databases. Computational prediction algorithms are consistent with a benign effect. The currently available literature and clinical evidence are not sufficient to establish a definitive association between this variant and the reported condition. Therefore, this variant is classified as a variant of uncertain significance.

NM_001170629.2(CHD8):c.7133G>A (p.Cys2378Tyr)

Gene: CHD8 (chromodomain helicase DNA binding protein 8; minus strand). Cytogenetic location: 14q11.2.
Variant type: single nucleotide variant.
Coding change: c.7133G>A on transcript NM_001170629.2 (MANE Select); coding-DNA position 7133, G replaced by A.
Protein change: p.Cys2378Tyr; replaces cysteine 2378 with tyrosine.
Molecular consequence: missense variant.
Genome position (GRCh38, 1-based): chr14:21,390,996, C>T on the plus strand (G>A on the coding strand, the complement: CHD8 is on the minus strand). VCF-style: chr14-21390996-C-T. GRCh37 (hg19) VCF-style: chr14-21859155-C-T.
Other names: c.6296G>A, p.Cys2099Tyr (NM_020920.4); short protein forms C2099Y, C2378Y.
Identifiers: ClinVar variation 4882956 (VCV004882956.2).